The following is an entry in ClinVar:

NM_020812.4(DOCK6):c.5574G>A (p.Pro1858=)

Gene: DOCK6 (dedicator of cytokinesis 6; minus strand). Cytogenetic location: 19p13.2.
Variant type: single nucleotide variant.
Coding change: c.5574G>A on transcript NM_020812.4 (MANE Select); coding-DNA position 5574, G replaced by A.
Protein change: p.Pro1858=; no amino-acid change (proline 1858 retained).
Molecular consequence: synonymous variant.
Genome position (GRCh38, 1-based): chr19:11,202,003, C>T on the plus strand (G>A on the coding strand, the complement: DOCK6 is on the minus strand). VCF-style: chr19-11202003-C-T. GRCh37 (hg19) VCF-style: chr19-11312679-C-T.
Other names: c.5679G>A, p.Pro1893= (NM_001367830.1); c.5574G>A (NM_020812.3).
Identifiers: ClinVar variation 2906866 (VCV002906866.5), dbSNP rs372106818, ClinGen allele CA9206419.

ClinVar aggregate classification (germline): Likely benign. Review status: criteria provided, multiple submitters, no conflicts (2 of 4 stars). 3 submissions from 3 submitters: Likely benign (3). Last evaluated 2025-11-18.

Conditions:
DOCK6-related disorder. Also called: DOCK6-related condition.

Allele frequency attached by ClinVar (database versions not stated): gnomAD exomes 0.00004; ExAC 0.00010; 1000 Genomes Project 30x 0.00016; ESP Exome Variant Server 0.00016; 1000 Genomes Project 0.00020; gnomAD 0.00024; TOPMed 0.00030.
gnomAD v4.1: 100 of 1,614,020 alleles (0.0062%); highest among the groups gnomAD compares: African/African-American, 0.088%; no homozygotes.

Submissions (3):

PreventionGenetics, part of Exact Sciences
Classification: Likely benign for DOCK6-related condition. Last evaluated: 2025-11-18. Review status: criteria provided, single submitter. Criteria: ACMG Guidelines, 2015. Collection method: clinical testing. Allele origin: germline.
Comment: This variant is classified as likely benign based on ACMG/AMP sequence variant interpretation guidelines (Richards et al. 2015 PMID: 25741868, with internal and published modifications).

Labcorp Genetics (formerly Invitae), Labcorp
Classification: Likely benign. Last evaluated: 2025-04-17. Review status: criteria provided, single submitter. Criteria: Invitae Variant Classification Sherloc (09022015). Collection method: clinical testing. Allele origin: germline.

Blueprint Genetics
Classification: Likely benign. Last evaluated: 2022-06-25. Review status: criteria provided, single submitter. Criteria: ACMG Guidelines, 2015. Collection method: clinical testing. Allele origin: germline.